The following is an entry in ClinVar:

ClinVar aggregate classification (germline): Uncertain significance. Review status: criteria provided, multiple submitters, no conflicts (2 of 4 stars). 10 submissions from 10 submitters: Uncertain significance (9). 1 of the submissions does not count toward it. Last evaluated 2025-12-15.

Conditions:
CFTR-related disorder (CFTR-RD). Also called: CFTR-related disorders; CFTR-related condition. Identifiers: MedGen C5924204, MONDO:7770004.
Cystic fibrosis (CF). Also called: MUCOVISCIDOSIS. Identifiers: Orphanet 586, MedGen C0010674, MONDO:0009061, OMIM 219700. Disease mechanism: loss of function.
Congenital bilateral aplasia of vas deferens from CFTR mutation (CBAVD). Identifiers: Orphanet 48, MedGen C0403814, MONDO:0010178, OMIM 277180. Disease mechanism: loss of function.
Hereditary pancreatitis (PCTT). Also called: Hereditary chronic pancreatitis; PRSS1-Related Hereditary Pancreatitis. Identifiers: Orphanet 676, MedGen C0238339, MONDO:0008185, OMIM 167800.
Bronchiectasis with or without elevated sweat chloride 1 (BESC1). Also called: Cystic Fibrosis-Like Syndrome. Identifiers: Orphanet 60033, MedGen C2749757, MONDO:0008887, OMIM 211400.

Allele frequency attached by ClinVar (database versions not stated): gnomAD exomes 0.00002 and 0.00005; ExAC 0.00003; gnomAD 0.00004 and 0.00005; TOPMed 0.00005; ESP Exome Variant Server 0.00015; 1000 Genomes Project 30x 0.00016.
gnomAD v4.1: 80 of 1,516,632 alleles (0.0053%); highest among the groups gnomAD compares: Non-Finnish European, 0.0071%; no homozygotes.

Submissions (10):

GeneDx
Classification: Uncertain significance. Last evaluated: 2025-12-15. Review status: criteria provided, single submitter. Criteria: GeneDx Variant Classification Process June 2021. Collection method: clinical testing. Allele origin: germline.
Comment: Has not been previously published as pathogenic or benign to our knowledge; In silico analysis suggests that this missense variant does not alter protein structure/function

Ambry Genetics
Classification: Uncertain significance for Cystic fibrosis. Last evaluated: 2024-03-27. Review status: criteria provided, single submitter. Criteria: Ambry Variant Classification Scheme 2023. Collection method: clinical testing. Allele origin: germline.
Comment: The p.T164A variant (also known as c.490A>G), located in coding exon 5 of the CFTR gene, results from a A to G substitution at nucleotide position 490. This variant impacts the first base pair of coding exon 5. The threonine at codon 164 is replaced by alanine, an amino acid with similar properties. This amino acid position is well conserved in available vertebrate species. In addition, the in silico prediction for this alteration is inconclusive. Based on the available evidence, the clinical significance of this alteration remains unclear.

Labcorp Genetics (formerly Invitae), Labcorp
Classification: Uncertain significance for Cystic fibrosis. Last evaluated: 2022-08-18. Review status: criteria provided, single submitter. Criteria: Invitae Variant Classification Sherloc (09022015). Collection method: clinical testing. Allele origin: germline.
Comment: This sequence change replaces threonine, which is neutral and polar, with alanine, which is neutral and non-polar, at codon 164 of the CFTR protein (p.Thr164Ala). This variant is present in population databases (rs200885306, gnomAD 0.004%). This variant has not been reported in the literature in individuals affected with CFTR-related conditions. ClinVar contains an entry for this variant (Variation ID: 632754). Algorithms developed to predict the effect of missense changes on protein structure and function (SIFT, PolyPhen-2, Align-GVGD) all suggest that this variant is likely to be tolerated. In summary, the available evidence is currently insufficient to determine the role of this variant in disease. Therefore, it has been classified as a Variant of Uncertain Significance.

Fulgent Genetics
Classification: Uncertain significance for Hereditary pancreatitis; Bronchiectasis with or without elevated sweat chloride 1; Cystic fibrosis; Congenital bilateral aplasia of vas deferens from CFTR mutation. Last evaluated: 2022-02-26. Review status: criteria provided, single submitter. Criteria: ACMG Guidelines, 2015. Collection method: clinical testing. Allele origin: unknown.

Genome-Nilou Lab
Classification: Uncertain significance for Cystic fibrosis. Last evaluated: 2021-09-05. Review status: criteria provided, single submitter. Criteria: ACMG Guidelines, 2015. Collection method: clinical testing. Allele origin: germline. Affected: no.

Mayo Clinic Laboratories, Mayo Clinic
Classification: Uncertain significance. Last evaluated: 2021-02-04. Review status: criteria provided, single submitter. Criteria: ACMG Guidelines, 2015. Collection method: clinical testing. Allele origin: germline. Observed: 1 variant allele.

ARUP Laboratories, Molecular Genetics and Genomics, ARUP Laboratories
Classification: Uncertain significance. Last evaluated: 2019-01-15. Review status: criteria provided, single submitter. Criteria: ARUP Molecular Germline Variant Investigation Process. Collection method: clinical testing. Allele origin: germline.
Comment: The CFTR c.490A>G; p.Thr164Ala variant (rs200885306), to our knowledge, is not reported in the medical literature but is reported in the Sick Kids CFTR database (see link). This variant is only observed on five alleles in the Genome Aggregation Database, indicating it is not a common polymorphism. The threonine at codon 164 is highly conserved, but computational analyses (SIFT, PolyPhen-2) predict that this variant is tolerated. Due to limited information, the clinical significance of the p.Thr164Ala variant is uncertain at this time. References: Link to Sick Kids CFTR database

Women's Health and Genetics/Laboratory Corporation of America, LabCorp
Classification: Uncertain significance. Last evaluated: 2018-12-13. Review status: criteria provided, single submitter. Criteria: LabCorp Variant Classification Summary - May 2015. Collection method: clinical testing. Allele origin: germline.
Comment: Variant summary: CFTR c.490A>G (p.Thr164Ala) results in a non-conservative amino acid change of the first nucleotide of exon 5, located in the ABC transporter type 1, transmembrane domain of the encoded protein sequence. 5/5 computational tools predict no significant impact on normal splicing. However, these predictions have yet to be confirmed by functional studies. Three of five in-silico tools predict a benign effect of the variant on protein function. The variant allele was found at a frequency of 1.8e-05 in 275348 control chromosomes (gnomAD). The available data on variant occurrences in the general population are insufficient to allow any conclusion about variant significance. To our knowledge, no occurrence of c.490A>G in individuals affected with Cystic Fibrosis and no experimental evidence demonstrating its impact on protein function have been reported. No clinical diagnostic laboratories have submitted clinical-significance assessments for this variant to ClinVar after 2014. Based on the evidence outlined above, the variant was classified as uncertain significance.

Illumina Laboratory Services, Illumina
Classification: Uncertain significance for CFTR-Related Disorders. Last evaluated: 2017-04-27. Review status: criteria provided, single submitter. Criteria: ICSL Variant Classification Criteria 13 December 2019. Collection method: clinical testing. Allele origin: germline.

Natera, Inc.
Classification: Uncertain significance for CFTR-related disorders. Last evaluated: 2018-09-17. Review status: no assertion criteria provided. Collection method: clinical testing. Allele origin: germline. Not counted in ClinVar's aggregate classification.

Literature cited by the submitters: PubMed 25735457 (cited by Women's Health and Genetics/Laboratory Corporation of America, LabCorp).

NM_000492.4(CFTR):c.490A>G (p.Thr164Ala)

Gene: CFTR (CF transmembrane conductance regulator; plus strand). Cytogenetic location: 7q31.2.
Variant type: single nucleotide variant.
Coding change: c.490A>G on transcript NM_000492.4 (MANE Select); coding-DNA position 490, A replaced by G.
Protein change: p.Thr164Ala; replaces threonine 164 with alanine.
Molecular consequence: missense variant.
Genome position (GRCh38, 1-based): chr7:117,534,276, A>G. VCF-style: chr7-117534276-A-G. GRCh37 (hg19) VCF-style: chr7-117174330-A-G.
Other names: short protein forms T164A.
Identifiers: ClinVar variation 632754 (VCV000632754.32), dbSNP rs200885306, ClinGen allele CA4450745.